The following is an entry in ClinVar:

ClinVar aggregate classification (germline): Conflicting classifications of pathogenicity. Review status: criteria provided, conflicting classifications (1 of 4 stars). 2 submissions from 2 submitters: Uncertain significance (1); Benign (1). Last evaluated 2024-11-25.

Conditions:
Kabuki syndrome. Also called: NIIKAWA-KUROKI SYNDROME; Kabuki make-up syndrome. Identifiers: Orphanet 2322, MedGen C0796004, MONDO:0016512.

Allele frequency attached by ClinVar (database versions not stated): ExAC 0.00001; gnomAD 0.00001; TOPMed 0.00002.
gnomAD v4.1: 6 of 1,591,558 alleles (0.00038%); highest among the groups gnomAD compares: Admixed American, 0.0068%; no homozygotes.

Submissions (2):

Labcorp Genetics (formerly Invitae), Labcorp
Classification: Benign for Kabuki syndrome. Last evaluated: 2024-11-25. Review status: criteria provided, single submitter. Criteria: Invitae Variant Classification Sherloc (09022015). Collection method: clinical testing. Allele origin: germline.

GeneDx
Classification: Uncertain significance. Last evaluated: 2023-07-11. Review status: criteria provided, single submitter. Criteria: GeneDx Variant Classification Process June 2021. Collection method: clinical testing. Allele origin: germline. Affected: yes.
Comment: In silico analysis supports that this missense variant has a deleterious effect on protein structure/function; Has not been previously published as pathogenic or benign to our knowledge

NM_003482.4(KMT2D):c.10193T>A (p.Met3398Lys)

Gene: KMT2D (lysine methyltransferase 2D; minus strand). Cytogenetic location: 12q13.12.
Variant type: single nucleotide variant.
Coding change: c.10193T>A on transcript NM_003482.4 (MANE Select); coding-DNA position 10193, T replaced by A.
Protein change: p.Met3398Lys; replaces methionine 3398 with lysine.
Molecular consequence: missense variant.
Genome position (GRCh38, 1-based): chr12:49,037,163, A>T on the plus strand (T>A on the coding strand, the complement: KMT2D is on the minus strand). VCF-style: chr12-49037163-A-T. GRCh37 (hg19) VCF-style: chr12-49430946-A-T.
Other names: c.10193T>A (NM_003482.3); short protein forms M3398K.
Identifiers: ClinVar variation 1500384 (VCV001500384.9), dbSNP rs774540578, ClinGen allele CA6546589.